The following is an entry in ClinVar:

NM_000038.6(APC):c.3401A>G (p.Asp1134Gly)

Gene: APC (APC regulator of Wnt signaling pathway; plus strand). Cytogenetic location: 5q22.2.
Variant type: single nucleotide variant.
Coding change: c.3401A>G on transcript NM_000038.6 (MANE Select); coding-DNA position 3401, A replaced by G.
Protein change: p.Asp1134Gly; replaces aspartic acid 1134 with glycine.
Molecular consequence: missense variant.
Genome position (GRCh38, 1-based): chr5:112,838,995, A>G. VCF-style: chr5-112838995-A-G. GRCh37 (hg19) VCF-style: chr5-112174692-A-G.
Other names: c.3401A>G, p.Asp1134Gly (NM_001127510.3, NM_001354895.2); c.3347A>G, p.Asp1116Gly (NM_001127511.3); c.3455A>G, p.Asp1152Gly (NM_001354896.2); c.3431A>G, p.Asp1144Gly (NM_001354897.2); c.3326A>G, p.Asp1109Gly (NM_001354898.2); c.3317A>G, p.Asp1106Gly (NM_001354899.2); c.3278A>G, p.Asp1093Gly (NM_001354900.2); c.3224A>G, p.Asp1075Gly (NM_001354901.2); and 5 more; short protein forms D1116G, D1134G, D1033G, D1106G, D1152G, D851G, D1008G, D1093G.
Identifiers: ClinVar variation 629986 (VCV000629986.5), dbSNP rs1561584535, ClinGen allele CA16028788.
Genomic context (GRCh38, chr5:112,838,995, plus strand): 5'-GAGTGGGTTCTAATCATGGAATTAATCAAAATGTAAGCCAGTCTTTGTGTCAAGAAGATG[A>G]CTATGAAGATGATAAGCCTACCAATTATAGTGAACGTTACTCTGAAGAAGAACAGCATGA-3'
Protein context (NP_000029.2, residues 1124-1144): NVSQSLCQED[Asp1134Gly]YEDDKPTNYS

ClinVar aggregate classification (germline): Uncertain significance (1 of 4 stars; one submission).

Conditions:
Hereditary cancer-predisposing syndrome. Also called: Neoplastic Syndromes, Hereditary; Tumor predisposition; Hereditary neoplastic syndrome; Hereditary Cancer Syndrome. Identifiers: Orphanet 140162, MedGen C0027672, MeSH D009386, MONDO:0015356.

Allele frequency attached by ClinVar (database versions not stated): gnomAD exomes below 0.00001.
gnomAD v4.1: 1 of 1,614,142 alleles (0.000062%); highest among the groups gnomAD compares: South Asian, 0.0011%; no homozygotes.

Submission:

Color Diagnostics, LLC DBA Color Health
Classification: Uncertain significance for Hereditary cancer-predisposing syndrome. Last evaluated: 2023-12-05. Review status: criteria provided, single submitter. Criteria: ACMG Guidelines, 2015. Collection method: clinical testing. Allele origin: germline.
Comment: This missense variant replaces aspartic acid with glycine at codon 1134 of the APC protein. Computational prediction suggests that this variant may not impact protein structure and function (internally defined REVEL score threshold <= 0.5, PMID: 27666373). To our knowledge, functional studies have not been reported for this variant. This variant has not been reported in individuals affected with APC-related disorders in the literature. This variant has not been identified in the general population by the Genome Aggregation Database (gnomAD). The available evidence is insufficient to determine the role of this variant in disease conclusively. Therefore, this variant is classified as a Variant of Uncertain Significance.